The following is an entry in ClinVar:

ClinVar aggregate classification (germline): Likely pathogenic (1 of 4 stars; one submission).

Conditions:
Intellectual disability-facial dysmorphism syndrome due to SETD5 haploinsufficiency (MRD23). Also called: Intellectual developmental disorder, autosomal dominant 23. Identifiers: Orphanet 404440, MedGen C3810406, MONDO:0014336, OMIM 615761.

Submission:

Laboratorio de Genetica e Diagnostico Molecular, Hospital Israelita Albert Einstein
Classification: Likely pathogenic for Intellectual disability-facial dysmorphism syndrome due to SETD5 haploinsufficiency. Last evaluated: 2025-11-14. Review status: criteria provided, single submitter. Criteria: ACMG Guidelines, 2015. Collection method: clinical testing. Allele origin: germline. Affected: yes.
Comment: ACMG classification criteria: PVS1 very strong, PM2 supporting

NM_001080517.3(SETD5):c.3139G>T (p.Glu1047Ter)

Gene: SETD5 (SET domain containing 5; plus strand). Cytogenetic location: 3p25.3.
Variant type: single nucleotide variant.
Coding change: c.3139G>T on transcript NM_001080517.3 (MANE Select); coding-DNA position 3139, G replaced by T.
Protein change: p.Glu1047Ter; replaces glutamic acid 1047 with a stop codon.
Molecular consequence: nonsense.
Genome position (GRCh38, 1-based): chr3:9,470,873, G>T. VCF-style: chr3-9470873-G-T. GRCh37 (hg19) VCF-style: chr3-9512557-G-T.
Other names: c.3196G>T, p.Glu1066Ter (NM_001437643.1); c.3178G>T, p.Glu1060Ter (NM_001437701.1); c.2845G>T, p.Glu949Ter (NM_001292043.2, NM_001349451.2); c.3235G>T, p.Glu1079Ter (NM_001437633.1); c.3253G>T, p.Glu1085Ter (NM_001437635.1); short protein forms E1047*, E1060*, E1066*, E1079*, E1085*, E949*.
Identifiers: ClinVar variation 4846927 (VCV004846927.1).
Genomic context (GRCh38, chr3:9,470,873, plus strand): 5'-AGCAGATATGAACATGGCTTAATGAAAGACCTCTCTCGTGGATCCTTGTCACCTGGTGGT[G>T]AAAGGGCCTGTGAAGGAGTCCCATCTGCCCCCCAGAACCCACCACAGAGGAAAAAAGTAA-3'